The following is an entry in ClinVar:

NM_000540.3(RYR1):c.7847C>T (p.Pro2616Leu)

Gene: RYR1 (ryanodine receptor 1; plus strand). Cytogenetic location: 19q13.2.
Variant type: single nucleotide variant.
Coding change: c.7847C>T on transcript NM_000540.3 (MANE Select); coding-DNA position 7847, C replaced by T.
Protein change: p.Pro2616Leu; replaces proline 2616 with leucine.
Molecular consequence: missense variant.
Genome position (GRCh38, 1-based): chr19:38,502,891, C>T. VCF-style: chr19-38502891-C-T. GRCh37 (hg19) VCF-style: chr19-38993531-C-T.
Other names: c.7847C>T, p.Pro2616Leu (NM_001042723.2); short protein forms P2616L.
Identifiers: ClinVar variation 3390513 (VCV003390513.1).

ClinVar aggregate classification (germline): Uncertain significance (1 of 4 stars; one submission).

Submission:

GeneDx
Classification: Uncertain significance. Last evaluated: 2024-06-16. Review status: criteria provided, single submitter. Criteria: GeneDx Variant Classification Process June 2021. Collection method: clinical testing. Allele origin: germline. Affected: yes.
Comment: Not observed at significant frequency in large population cohorts (gnomAD); In silico analysis supports that this missense variant has a deleterious effect on protein structure/function; Has not been previously published as pathogenic or benign to our knowledge